The following is an entry in ClinVar:

NM_007294.4(BRCA1):c.4339C>A (p.Gln1447Lys)

Gene: BRCA1 (BRCA1 DNA repair associated; minus strand). Cytogenetic location: 17q21.31.
Variant type: single nucleotide variant.
Coding change: c.4339C>A on transcript NM_007294.4 (MANE Select); coding-DNA position 4339, C replaced by A.
Protein change: p.Gln1447Lys; replaces glutamine 1447 with lysine.
Molecular consequence: missense variant. On other transcripts: non-coding transcript variant (1).
Genome position (GRCh38, 1-based): chr17:43,082,422, G>T on the plus strand (C>A on the coding strand, the complement: BRCA1 is on the minus strand). VCF-style: chr17-43082422-G-T. GRCh37 (hg19) VCF-style: chr17-41234439-G-T.
Other names: p.Q1447K:CAA>AAA; c.4126C>A, p.Gln1376Lys (NM_001407571.1, NM_001407894.1, NM_001407908.1 and 12 more transcripts); c.4339C>A, p.Gln1447Lys (NM_001407581.1, NM_001407582.1, NM_001407583.1 and 23 more transcripts); c.4336C>A, p.Gln1446Lys (NM_001407587.1, NM_001407590.1, NM_001407591.1 and 21 more transcripts); c.4258C>A, p.Gln1420Lys (NM_001407656.1, NM_001407661.1, NM_001407662.1 and 1 more transcripts); c.4261C>A, p.Gln1421Lys (NM_001407657.1, NM_001407658.1, NM_001407653.1 and 2 more transcripts); c.4255C>A, p.Gln1419Lys (NM_001407659.1, NM_001407660.1); c.4216C>A, p.Gln1406Lys (NM_001407664.1, NM_001407677.1, NM_001407678.1 and 13 more transcripts); and 52 more; short protein forms Q1447K, Q1400K, Q344K, Q1320K, Q1359K, Q1375K, Q1379K, Q1421K.
Identifiers: ClinVar variation 182161 (VCV000182161.29), dbSNP rs80357067, ClinGen allele CA002774.

ClinVar aggregate classification (germline): Conflicting classifications of pathogenicity. Review status: criteria provided, conflicting classifications (1 of 4 stars). 7 submissions from 7 submitters: Uncertain significance (6); Likely benign (1). Last evaluated 2026-01-06.

Conditions:
Hereditary cancer-predisposing syndrome. Also called: Hereditary Cancer Syndrome; Hereditary neoplastic syndrome; Tumor predisposition; Neoplastic Syndromes, Hereditary. Identifiers: Orphanet 140162, MedGen C0027672, MeSH D009386, MONDO:0015356.
Hereditary breast ovarian cancer syndrome. Also called: Hereditary breast and ovarian cancer syndrome; Hereditary breast and ovarian cancer syndrome (HBOC); BRCA1- and BRCA2-Associated Hereditary Breast and Ovarian Cancer; Breast and ovarian cancer; Hereditary breast and ovarian cancer; Hereditary breast and/or ovarian cancer syndrome. Identifiers: Orphanet 145, MedGen C0677776, MeSH D061325, MONDO:0003582. Disease mechanism: loss of function.
Breast-ovarian cancer, familial, susceptibility to, 1 (BROVCA1). Also called: OVARIAN CANCER, SUSCEPTIBILITY TO; BRCA1 Hereditary Breast and Ovarian Cancer. Identifiers: Orphanet 145, MedGen C2676676, MONDO:0011450, OMIM 604370. Disease mechanism: loss of function.

Allele frequency attached by ClinVar (database versions not stated): gnomAD exomes below 0.00001; TOPMed below 0.00001; gnomAD 0.00001.
gnomAD v4.1: 3 of 1,614,004 alleles (0.00019%); highest among the groups gnomAD compares: East Asian, 0.0022%; no homozygotes.

Submissions (7):

Labcorp Genetics (formerly Invitae), Labcorp
Classification: Uncertain significance for Hereditary breast ovarian cancer syndrome. Last evaluated: 2026-01-06. Review status: criteria provided, single submitter. Criteria: Invitae Variant Classification Sherloc (09022015). Collection method: clinical testing. Allele origin: germline.
Comment: This sequence change replaces glutamine, which is neutral and polar, with lysine, which is basic and polar, at codon 1447 of the BRCA1 protein (p.Gln1447Lys). This variant is present in population databases (rs80357067, gnomAD 0.0009%). This missense change has been observed in individual(s) with breast and/or ovarian cancer (PMID: 38136308, 38709234). ClinVar contains an entry for this variant (Variation ID: 182161). Invitae Evidence Modeling of protein sequence and biophysical properties (such as structural, functional, and spatial information, amino acid conservation, physicochemical variation, residue mobility, and thermodynamic stability) indicates that this missense variant is not expected to disrupt BRCA1 protein function with a negative predictive value of 80%. In summary, the available evidence is currently insufficient to determine the role of this variant in disease. Therefore, it has been classified as a Variant of Uncertain Significance.

Color Diagnostics, LLC DBA Color Health
Classification: Likely benign for Hereditary cancer-predisposing syndrome. Last evaluated: 2025-10-03. Review status: criteria provided, single submitter. Criteria: ACMG Guidelines, 2015. Collection method: clinical testing. Allele origin: germline.

Quest Diagnostics Nichols Institute San Juan Capistrano
Classification: Uncertain significance. Last evaluated: 2024-12-04. Review status: criteria provided, single submitter. Criteria: Quest Diagnostics criteria. Collection method: clinical testing. Allele origin: unknown.
Comment: The frequency of this variant in the general population (Genome Aggregation Database) is uninformative in the assessment of its pathogenicity. Analysis of this variant using bioinformatics tools for the prediction of the effect of amino acid changes on protein structure and function yielded predictions that this variant is benign. Based on the available information, we are unable to determine the clinical significance of this variant.

Ambry Genetics
Classification: Uncertain significance for Hereditary cancer-predisposing syndrome. Last evaluated: 2024-09-03. Review status: criteria provided, single submitter. Criteria: Ambry Variant Classification Scheme 2023. Collection method: clinical testing. Allele origin: germline.
Comment: The p.Q1447K variant (also known as c.4339C>A), located in coding exon 11 of the BRCA1 gene, results from a C to A substitution at nucleotide position 4339. The glutamine at codon 1447 is replaced by lysine, an amino acid with similar properties. This amino acid position is well conserved in available vertebrate species. In addition, the in silico prediction for this alteration is inconclusive. Based on the available evidence, the clinical significance of this variant remains unclear.

GeneDx
Classification: Uncertain significance. Last evaluated: 2024-03-05. Review status: criteria provided, single submitter. Criteria: GeneDx Variant Classification Process June 2021. Collection method: clinical testing. Allele origin: germline. Affected: yes.
Comment: Not observed at significant frequency in large population cohorts (gnomAD); In silico analysis supports that this missense variant does not alter protein structure/function; Also known as 4458C>A; This variant is associated with the following publications: (PMID: 31853058, 31911673, 32377563, 29884841, 38136308, 15343273, 22737296)

All of Us Research Program, National Institutes of Health
Classification: Uncertain significance for Breast-ovarian cancer, familial, susceptibility to, 1. Last evaluated: 2023-11-30. Review status: criteria provided, single submitter. Criteria: ACMG Guidelines, 2015. Collection method: clinical testing. Allele origin: germline. Inheritance: Autosomal dominant inheritance. Observed: 1 variant allele, 1 heterozygote.
Comment: This study involves interpretation of variants in research participants for the purpose of population health screening. Participant phenotype was not available at the time of variant classification. Additional details can be found in publication PMID: 35346344, PMCID: PMC8962531

Women's Health and Genetics/Laboratory Corporation of America, LabCorp
Classification: Uncertain significance. Last evaluated: 2019-07-24. Review status: criteria provided, single submitter. Criteria: LabCorp Variant Classification Summary - May 2015. Collection method: clinical testing. Allele origin: germline.
Comment: Variant summary: BRCA1 c.4339C>A (p.Gln1447Lys) results in a conservative amino acid change in the encoded protein sequence. Four of five in-silico tools predict a benign effect of the variant on protein function. The variant allele was found at a frequency of 4e-06 in 251344 control chromosomes (gnomAD). The available data on variant occurrences in the general population are insufficient to allow any conclusion about variant significance. To our knowledge, no occurrence of c.4339C>A in individuals affected with Hereditary Breast and Ovarian Cancer and no experimental evidence demonstrating its impact on protein function have been reported. Four submitters have provided clinical-significance assessments for this variant to ClinVar after 2014 without evidence for independent evaluation and all of them classified the variant as uncertain significance. Based on the evidence outlined above, the variant was classified as uncertain significance.

Literature cited by the submitters: PubMed 38136308 (cited by Labcorp Genetics (formerly Invitae), Labcorp and Quest Diagnostics Nichols Institute San Juan Capistrano); PubMed 38709234 (cited by Labcorp Genetics (formerly Invitae), Labcorp and Quest Diagnostics Nichols Institute San Juan Capistrano); PubMed 33087888 (cited by Quest Diagnostics Nichols Institute San Juan Capistrano); PubMed 32377563 (cited by Quest Diagnostics Nichols Institute San Juan Capistrano); PubMed 31214711 (cited by Quest Diagnostics Nichols Institute San Juan Capistrano); PubMed 31911673 (cited by Quest Diagnostics Nichols Institute San Juan Capistrano); PubMed 31853058 (cited by Quest Diagnostics Nichols Institute San Juan Capistrano); PubMed 29884841 (cited by Quest Diagnostics Nichols Institute San Juan Capistrano).